The following is an entry in ClinVar:

NM_006059.4(LAMC3):c.4561T>G (p.Ser1521Ala)

Gene: LAMC3 (laminin subunit gamma 3; plus strand). Cytogenetic location: 9q34.12.
Variant type: single nucleotide variant.
Coding change: c.4561T>G on transcript NM_006059.4 (MANE Select); coding-DNA position 4561, T replaced by G.
Protein change: p.Ser1521Ala; replaces serine 1521 with alanine.
Molecular consequence: missense variant.
Genome position (GRCh38, 1-based): chr9:131,091,620, T>G. VCF-style: chr9-131091620-T-G. GRCh37 (hg19) VCF-style: chr9-133967007-T-G.
Other names: short protein forms S1521A.
Identifiers: ClinVar variation 129469 (VCV000129469.17), dbSNP rs117361076, ClinGen allele CA153504.

ClinVar aggregate classification (germline): Benign/Likely benign. Review status: criteria provided, multiple submitters, no conflicts (2 of 4 stars). 6 submissions from 6 submitters: Benign (3); Likely benign (1). 2 of the submissions do not count toward it. Last evaluated 2026-02-03.

Conditions:
LAMC3-related disorder. Also called: LAMC3-related condition.
Inborn genetic diseases. Identifiers: MedGen C0950123, MeSH D030342.

Allele frequency attached by ClinVar (database versions not stated): 1000 Genomes Project 30x 0.00578; 1000 Genomes Project 0.00619; TOPMed 0.01104; ESP Exome Variant Server 0.01131; gnomAD 0.01271 and 0.01275; gnomAD exomes 0.01428 and 0.01682; ExAC 0.02246.
gnomAD v4.1: 26,122 of 1,595,974 alleles (1.6%); highest among the groups gnomAD compares: Non-Finnish European, 1.8%; 246 homozygotes.

Submissions (6):

Labcorp Genetics (formerly Invitae), Labcorp
Classification: Benign. Last evaluated: 2026-02-03. Review status: criteria provided, single submitter. Criteria: Invitae Variant Classification Sherloc (09022015). Collection method: clinical testing. Allele origin: germline.

Ambry Genetics
Classification: Likely benign for Inborn genetic diseases. Last evaluated: 2021-09-27. Review status: criteria provided, single submitter. Criteria: Ambry Variant Classification Scheme 2023. Collection method: clinical testing. Allele origin: germline.

GeneDx
Classification: Benign. Last evaluated: 2016-05-16. Review status: criteria provided, single submitter. Criteria: GeneDx Variant Classification (06012015). Collection method: clinical testing. Allele origin: germline. Affected: yes.
Comment: This variant is considered likely benign or benign based on one or more of the following criteria: it is a conservative change, it occurs at a poorly conserved position in the protein, it is predicted to be benign by multiple in silico algorithms, and/or has population frequency not consistent with disease.

Breakthrough Genomics
Classification: Benign. Review status: criteria provided, single submitter. Criteria: ACMG Guidelines, 2015. Collection method: not provided. Allele origin: germline. Inheritance: Autosomal recessive inheritance. Affected: yes.

PreventionGenetics, part of Exact Sciences
Classification: Benign for LAMC3-related condition. Last evaluated: 2019-07-08. Review status: no assertion criteria provided. Collection method: clinical testing. Allele origin: germline. Not counted in ClinVar's aggregate classification.
Comment: This variant is classified as benign based on ACMG/AMP sequence variant interpretation guidelines (Richards et al. 2015 PMID: 25741868, with internal and published modifications).

Genetic Services Laboratory, University of Chicago
Classification: Likely benign for AllHighlyPenetrant. Review status: no assertion criteria provided. Collection method: clinical testing. Allele origin: germline. Inheritance: X-linked inheritance. Not counted in ClinVar's aggregate classification.
Comment: Likely benign based on allele frequency in 1000 Genomes Project or ESP global frequency and its presence in a patient with a rare or unrelated disease phenotype. NOT Sanger confirmed.